The following is an entry in ClinVar:

NM_001042424.3(NSD2):c.1607C>G (p.Thr536Arg)

Gene: NSD2 (nuclear receptor binding SET domain protein 2; plus strand). Cytogenetic location: 4p16.3.
Variant type: single nucleotide variant.
Coding change: c.1607C>G on transcript NM_001042424.3 (MANE Select); coding-DNA position 1607, C replaced by G.
Protein change: p.Thr536Arg; replaces threonine 536 with arginine.
Molecular consequence: missense variant.
Genome position (GRCh38, 1-based): chr4:1,935,195, C>G. VCF-style: chr4-1935195-C-G. GRCh37 (hg19) VCF-style: chr4-1936922-C-G.
Other names: c.1607C>G, p.Thr536Arg (NM_007331.2, NM_133330.3, NM_133331.3 and 2 more transcripts); short protein forms T536R.
Identifiers: ClinVar variation 3686618 (VCV003686618.2).

ClinVar aggregate classification (germline): Uncertain significance (1 of 4 stars; one submission).

Submission:

Labcorp Genetics (formerly Invitae), Labcorp
Classification: Uncertain significance. Last evaluated: 2024-05-17. Review status: criteria provided, single submitter. Criteria: Invitae Variant Classification Sherloc (09022015). Collection method: clinical testing. Allele origin: germline.
Comment: This sequence change replaces threonine, which is neutral and polar, with arginine, which is basic and polar, at codon 536 of the WHSC1 protein (p.Thr536Arg). This variant is not present in population databases (gnomAD no frequency). This variant has not been reported in the literature in individuals affected with WHSC1-related conditions. Advanced modeling of protein sequence and biophysical properties (such as structural, functional, and spatial information, amino acid conservation, physicochemical variation, residue mobility, and thermodynamic stability) performed at Invitae indicates that this missense variant is not expected to disrupt WHSC1 protein function with a negative predictive value of 80%. In summary, the available evidence is currently insufficient to determine the role of this variant in disease. Therefore, it has been classified as a Variant of Uncertain Significance.